The following is an entry in ClinVar:

NM_024675.4(PALB2):c.2597G>T (p.Gly866Val)

Gene: PALB2 (partner and localizer of BRCA2; minus strand). Cytogenetic location: 16p12.2.
Variant type: single nucleotide variant.
Coding change: c.2597G>T on transcript NM_024675.4 (MANE Select); coding-DNA position 2597, G replaced by T.
Protein change: p.Gly866Val; replaces glycine 866 with valine.
Molecular consequence: missense variant.
Genome position (GRCh38, 1-based): chr16:23,626,387, C>A on the plus strand (G>T on the coding strand, the complement: PALB2 is on the minus strand). VCF-style: chr16-23626387-C-A. GRCh37 (hg19) VCF-style: chr16-23637708-C-A.
Other names: short protein forms G866V.
Identifiers: ClinVar variation 188058 (VCV000188058.13), dbSNP rs62625279, ClinGen allele CA333921.

ClinVar aggregate classification (germline): Uncertain significance. Review status: criteria provided, multiple submitters, no conflicts (2 of 4 stars). 3 submissions from 3 submitters: Uncertain significance (3). Last evaluated 2024-02-06.

Conditions:
Hereditary cancer-predisposing syndrome. Also called: Neoplastic Syndromes, Hereditary; Tumor predisposition; Hereditary Cancer Syndrome; Hereditary neoplastic syndrome. Identifiers: Orphanet 140162, MedGen C0027672, MeSH D009386, MONDO:0015356.
Familial cancer of breast. Also called: BREAST CANCER, FAMILIAL; Hereditary breast cancer; hereditary breast carcinoma. Identifiers: Orphanet 227535, MedGen C0346153, MONDO:0016419, OMIM 114480. Disease mechanism: loss of function.

Submissions (3):

Labcorp Genetics (formerly Invitae), Labcorp
Classification: Uncertain significance for Familial cancer of breast. Last evaluated: 2024-02-06. Review status: criteria provided, single submitter. Criteria: Invitae Variant Classification Sherloc (09022015). Collection method: clinical testing. Allele origin: germline.
Comment: This sequence change replaces glycine, which is neutral and non-polar, with valine, which is neutral and non-polar, at codon 866 of the PALB2 protein (p.Gly866Val). This variant is not present in population databases (gnomAD no frequency). This variant has not been reported in the literature in individuals affected with PALB2-related conditions. ClinVar contains an entry for this variant (Variation ID: 188058). Advanced modeling of protein sequence and biophysical properties (such as structural, functional, and spatial information, amino acid conservation, physicochemical variation, residue mobility, and thermodynamic stability) performed at Invitae indicates that this missense variant is expected to disrupt PALB2 protein function with a positive predictive value of 80%. Experimental studies have shown that this missense change does not substantially affect PALB2 function (PMID: 31636395). Algorithms developed to predict the effect of sequence changes on RNA splicing suggest that this variant may disrupt the consensus splice site. In summary, the available evidence is currently insufficient to determine the role of this variant in disease. Therefore, it has been classified as a Variant of Uncertain Significance.

Ambry Genetics
Classification: Uncertain significance for Hereditary cancer-predisposing syndrome. Last evaluated: 2023-02-03. Review status: criteria provided, single submitter. Criteria: Ambry Variant Classification Scheme 2023. Collection method: clinical testing. Allele origin: germline.
Comment: The p.G866V variant (also known as c.2597G>T), located in coding exon 7 of the PALB2 gene, results from a G to T substitution at nucleotide position 2597. The glycine at codon 866 is replaced by valine, an amino acid with dissimilar properties. This alteration was found to be functionally normal in a homology-directed DNA repair (HDR) assay (Wiltshire T et al. Genet Med, 2020 Mar;22:622-632). This amino acid position is well conserved in available vertebrate species. In addition, this alteration is predicted to be tolerated by in silico analysis. Since supporting evidence is limited at this time, the clinical significance of this alteration remains unclear.

Color Diagnostics, LLC DBA Color Health
Classification: Uncertain significance for Hereditary cancer-predisposing syndrome. Last evaluated: 2018-10-02. Review status: criteria provided, single submitter. Criteria: ACMG Guidelines, 2015. Collection method: clinical testing. Allele origin: germline.

Literature cited by the submitters: PubMed 31636395 (cited by Labcorp Genetics (formerly Invitae), Labcorp and Ambry Genetics).